The following is an entry in ClinVar:

ClinVar aggregate classification (germline): Benign/Likely benign. Review status: criteria provided, multiple submitters, no conflicts (2 of 4 stars). 6 submissions from 6 submitters: Benign (1); Likely benign (3). 2 of the submissions do not count toward it. Last evaluated 2024-10-22.

Conditions:
FANCC-related disorder. Also called: FANCC-related condition.
Hereditary cancer-predisposing syndrome. Also called: Tumor predisposition; Hereditary Cancer Syndrome; Hereditary neoplastic syndrome; Neoplastic Syndromes, Hereditary. Identifiers: Orphanet 140162, MedGen C0027672, MeSH D009386, MONDO:0015356.
Fanconi anemia (FA). Also called: Fanconi's anemia. Identifiers: Orphanet 84, MedGen C0015625, MeSH D005199, MONDO:0019391.
Fanconi anemia complementation group C (FANCC). Also called: FANCONI PANCYTOPENIA, TYPE 3; FACC; FANCC-Related Fanconi Anemia; Fanconi anemia, group C. Identifiers: Orphanet 84, MedGen C3468041, MONDO:0009213, OMIM 227645.

Allele frequency attached by ClinVar (database versions not stated): gnomAD exomes 0.00001 and 0.00003; ExAC 0.00004; gnomAD 0.00010 and 0.00011; TOPMed 0.00010; ESP Exome Variant Server 0.00015.
gnomAD v4.1: 28 of 1,613,892 alleles (0.0017%); highest among the groups gnomAD compares: African/African-American, 0.035%; no homozygotes.

Submissions (6):

Labcorp Genetics (formerly Invitae), Labcorp
Classification: Likely benign for Fanconi anemia. Last evaluated: 2024-10-22. Review status: criteria provided, single submitter. Criteria: Invitae Variant Classification Sherloc (09022015). Collection method: clinical testing. Allele origin: germline.

Ambry Genetics
Classification: Likely benign for Hereditary cancer-predisposing syndrome. Last evaluated: 2023-03-07. Review status: criteria provided, single submitter. Criteria: Ambry Variant Classification Scheme 2023. Collection method: clinical testing. Allele origin: germline.

Sema4
Classification: Likely benign for Fanconi anemia. Last evaluated: 2021-06-28. Review status: criteria provided, single submitter. Criteria: Sema4 Curation Guidelines. Collection method: curation. Allele origin: germline.

GeneDx
Classification: Benign. Last evaluated: 2014-08-21. Review status: criteria provided, single submitter. Criteria: GeneDx Variant Classification (06012015). Collection method: clinical testing. Allele origin: germline. Affected: yes.
Comment: This variant is considered likely benign or benign based on one or more of the following criteria: it is a conservative change, it occurs at a poorly conserved position in the protein, it is predicted to be benign by multiple in silico algorithms, and/or has population frequency not consistent with disease.

PreventionGenetics, part of Exact Sciences
Classification: Likely benign for FANCC-related condition. Last evaluated: 2023-12-26. Review status: no assertion criteria provided. Collection method: clinical testing. Allele origin: germline. Not counted in ClinVar's aggregate classification.
Comment: This variant is classified as likely benign based on ACMG/AMP sequence variant interpretation guidelines (Richards et al. 2015 PMID: 25741868, with internal and published modifications).

Counsyl
Classification: Uncertain significance for Fanconi anemia complementation group C. Last evaluated: 2017-01-11. Review status: no assertion criteria provided. Collection method: clinical testing. Allele origin: unknown. Not counted in ClinVar's aggregate classification.

NM_000136.3(FANCC):c.522-4A>G

Genes: FANCC (FA complementation group C; minus strand), AOPEP (aminopeptidase O (putative); plus strand). Cytogenetic location: 9q22.32.
Variant type: single nucleotide variant.
Coding change: c.522-4A>G on transcript NM_000136.3 (MANE Select); 4 bases into the intron before coding-DNA position 522, A replaced by G.
Molecular consequence: intron variant.
Genome position (GRCh38, 1-based): chr9:95,150,091, T>C on the plus strand (A>G on the coding strand, the complement: FANCC is on the minus strand). VCF-style: chr9-95150091-T-C. GRCh37 (hg19) VCF-style: chr9-97912373-T-C.
Other names: c.522-4A>G (NM_001243743.2, NM_001243744.2).
Identifiers: ClinVar variation 182499 (VCV000182499.20), dbSNP rs371422485, ClinGen allele CA299222.